The following is an entry in ClinVar:

ClinVar aggregate classification (germline): Uncertain significance (1 of 4 stars; one submission).

gnomAD v4.1: 2 of 1,613,752 alleles (0.00012%); highest among the groups gnomAD compares: African/African-American, 0.0027%; no homozygotes.

Submission:

Women's Health and Genetics/Laboratory Corporation of America, LabCorp
Classification: Uncertain significance. Last evaluated: 2025-07-21. Review status: criteria provided, single submitter. Criteria: LabCorp Variant Classification Summary - May 2015. Collection method: clinical testing. Allele origin: germline.
Comment: Variant summary: TAF4 c.1477G>C (p.Ala493Pro) results in a non-conservative amino acid change in the encoded protein sequence. Algorithms developed to predict the effect of missense changes on protein structure and function are either unavailable or do not agree on the potential impact of this missense change. The variant allele was found at a frequency of 8e-06 in 250446 control chromosomes. The available data on variant occurrences in the general population are insufficient to allow any conclusion about variant significance. To our knowledge, no occurrence of c.1477G>C in individuals affected with Intellectual Developmental Disorder, Autosomal Dominant 73 and no experimental evidence demonstrating its impact on protein function have been reported. No submitters have cited clinical-significance assessments for this variant to ClinVar. Based on the evidence outlined above, the variant was classified as uncertain significance.

NM_003185.4(TAF4):c.1477G>C (p.Ala493Pro)

Gene: TAF4 (TATA-box binding protein associated factor 4; minus strand). Cytogenetic location: 20q13.33.
Variant type: single nucleotide variant.
Coding change: c.1477G>C on transcript NM_003185.4 (MANE Select); coding-DNA position 1477, G replaced by C.
Protein change: p.Ala493Pro; replaces alanine 493 with proline.
Molecular consequence: missense variant.
Genome position (GRCh38, 1-based): chr20:62,014,591, C>G on the plus strand (G>C on the coding strand, the complement: TAF4 is on the minus strand). VCF-style: chr20-62014591-C-G. GRCh37 (hg19) VCF-style: chr20-60589647-C-G.
Other names: short protein forms A493P.
Identifiers: ClinVar variation 4525756 (VCV004525756.1).